The following is an entry in ClinVar:

ClinVar aggregate classification (germline): Uncertain significance (1 of 4 stars; one submission).

Submission:

Labcorp Genetics (formerly Invitae), Labcorp
Classification: Uncertain significance. Last evaluated: 2024-04-25. Review status: criteria provided, single submitter. Criteria: Invitae Variant Classification Sherloc (09022015). Collection method: clinical testing. Allele origin: germline.
Comment: This sequence change replaces glutamic acid, which is acidic and polar, with aspartic acid, which is acidic and polar, at codon 374 of the ERCC8 protein (p.Glu374Asp). This variant also falls at the last nucleotide of exon 11, which is part of the consensus splice site for this exon. This variant is not present in population databases (gnomAD no frequency). This missense change has been observed in individual(s) with Cockayne syndrome (PMID: 28848724). ClinVar contains an entry for this variant (Variation ID: 2203652). An algorithm developed to predict the effect of missense changes on protein structure and function (PolyPhen-2) suggests that this variant is likely to be tolerated. Variants that disrupt the consensus splice site are a relatively common cause of aberrant splicing (PMID: 17576681, 9536098). Algorithms developed to predict the effect of sequence changes on RNA splicing suggest that this variant may disrupt the consensus splice site. In summary, the available evidence is currently insufficient to determine the role of this variant in disease. Therefore, it has been classified as a Variant of Uncertain Significance.

Literature cited by the submitters: PubMed 28848724; PubMed 17576681; PubMed 9536098.

NM_000082.4(ERCC8):c.1122G>C (p.Glu374Asp)

Gene: ERCC8 (ERCC excision repair 8, CSA ubiquitin ligase complex subunit; minus strand). Cytogenetic location: 5q12.1.
Variant type: single nucleotide variant.
Coding change: c.1122G>C on transcript NM_000082.4 (MANE Select); coding-DNA position 1122, G replaced by C.
Protein change: p.Glu374Asp; replaces glutamic acid 374 with aspartic acid.
Molecular consequence: missense variant.
Genome position (GRCh38, 1-based): chr5:60,887,440, C>G on the plus strand (G>C on the coding strand, the complement: ERCC8 is on the minus strand). VCF-style: chr5-60887440-C-G. GRCh37 (hg19) VCF-style: chr5-60183267-C-G.
Other names: c.948G>C, p.Glu316Asp (NM_001007233.3); c.663G>C, p.Glu221Asp (NM_001290285.2); short protein forms E221D, E374D, E316D.
Identifiers: ClinVar variation 2203652 (VCV002203652.4), dbSNP rs2531763100, ClinGen allele CA359822271.